The following is an entry in ClinVar:

ClinVar aggregate classification (germline): Pathogenic (1 of 4 stars; one submission).

Submission:

GeneDx
Classification: Pathogenic. Last evaluated: 2017-02-27. Review status: criteria provided, single submitter. Criteria: GeneDx Variant Classification (06012015). Collection method: clinical testing. Allele origin: germline. Affected: yes.
Comment: The E194X nonsense variant in the KAL1 gene is predicted to cause loss of normal protein function either through protein truncation or nonsense-mediated mRNA decay. The E194X variant is not observed in large population cohorts (Lek et al., 2016; 1000 Genomes Consortium et al., 2015; Exome Variant Server). Although this pathogenic variant has not been reported previously to our knowledge, its presence is consistent with the diagnosis of X-linked Kallmann Syndrome.

NM_000216.4(ANOS1):c.580G>T (p.Glu194Ter)

Gene: ANOS1 (anosmin 1; minus strand). Cytogenetic location: Xp22.31.
Variant type: single nucleotide variant.
Coding change: c.580G>T on transcript NM_000216.4 (MANE Select); coding-DNA position 580, G replaced by T.
Protein change: p.Glu194Ter; replaces glutamic acid 194 with a stop codon.
Molecular consequence: nonsense.
Genome position (GRCh38, 1-based): chrX:8,587,940, C>A on the plus strand (G>T on the coding strand, the complement: ANOS1 is on the minus strand). VCF-style: chrX-8587940-C-A. GRCh37 (hg19) VCF-style: chrX-8555981-C-A.
Other names: short protein forms E194*.
Identifiers: ClinVar variation 424064 (VCV000424064.2), dbSNP rs1064796777, ClinGen allele CA16621518.